The following is an entry in ClinVar:

ClinVar aggregate classification (germline): Uncertain significance. Review status: criteria provided, multiple submitters, no conflicts (2 of 4 stars). 2 submissions from 2 submitters: Uncertain significance (2). Last evaluated 2025-10-15.

Conditions:
Congenital contractural arachnodactyly (CCA). Also called: Beals-Hecht syndrome; Arthrogryposis, distal, type 9; BEALS SYNDROME. Identifiers: Orphanet 115, MedGen C0220668, MONDO:0007363, OMIM 121050.

Allele frequency attached by ClinVar (database versions not stated): gnomAD exomes below 0.00001; TOPMed below 0.00001.
gnomAD v4.1: 1 of 1,613,876 alleles (0.000062%); highest among the groups gnomAD compares: Admixed American, 0.0017%; no homozygotes.

Submissions (2):

Labcorp Genetics (formerly Invitae), Labcorp
Classification: Uncertain significance for Congenital contractural arachnodactyly. Last evaluated: 2025-10-15. Review status: criteria provided, single submitter. Criteria: Invitae Variant Classification Sherloc (09022015). Collection method: clinical testing. Allele origin: germline.
Comment: This sequence change replaces glycine, which is neutral and non-polar, with glutamic acid, which is acidic and polar, at codon 289 of the FBN2 protein (p.Gly289Glu). This variant is not present in population databases (gnomAD no frequency). This variant has not been reported in the literature in individuals affected with FBN2-related conditions. ClinVar contains an entry for this variant (Variation ID: 870702). Invitae Evidence Modeling of protein sequence and biophysical properties (such as structural, functional, and spatial information, amino acid conservation, physicochemical variation, residue mobility, and thermodynamic stability) indicates that this missense variant is expected to disrupt FBN2 protein function with a positive predictive value of 80%. In summary, the available evidence is currently insufficient to determine the role of this variant in disease. Therefore, it has been classified as a Variant of Uncertain Significance.

CeGaT Center for Human Genetics Tuebingen
Classification: Uncertain significance. Last evaluated: 2023-11-01. Review status: criteria provided, single submitter. Criteria: CeGaT Center For Human Genetics Tuebingen Variant Classification Criteria Version 2. Collection method: clinical testing. Allele origin: germline. Affected: yes. Observed: 3 variant alleles.
Comment: FBN2: PM2

NM_001999.4(FBN2):c.866G>A (p.Gly289Glu)

Gene: FBN2 (fibrillin 2; minus strand). Cytogenetic location: 5q23.3.
Variant type: single nucleotide variant.
Coding change: c.866G>A on transcript NM_001999.4 (MANE Select); coding-DNA position 866, G replaced by A.
Protein change: p.Gly289Glu; replaces glycine 289 with glutamic acid.
Molecular consequence: missense variant.
Genome position (GRCh38, 1-based): chr5:128,446,567, C>T on the plus strand (G>A on the coding strand, the complement: FBN2 is on the minus strand). VCF-style: chr5-128446567-C-T. GRCh37 (hg19) VCF-style: chr5-127782260-C-T.
Other names: short protein forms G289E.
Identifiers: ClinVar variation 870702 (VCV000870702.44), dbSNP rs1754069364, ClinGen allele CA360752073.
Genomic context (GRCh38, chr5:128,446,567, plus strand): 5'-TGTTTGTGACCAGCAGGGCATCTGCATTCAAAAGAGCCCACTGTATTGATACAGTTTCCT[C>T]CTTGGCATATCCCTGGGATAGCCTGGCATTCATCAACATCTGCAAGAAGAAAACATTTTG-3'
Protein context (NP_001990.2, residues 279-299): ECQAIPGICQ[Gly289Glu]GNCINTVGSF